The following is an entry in ClinVar:

ClinVar aggregate classification (germline): Uncertain significance (1 of 4 stars; one submission).

gnomAD v4.1: 1 of 1,614,020 alleles (0.000062%); highest among the groups gnomAD compares: Non-Finnish European, 0.000085%; no homozygotes.

Submission:

Ambry Genetics
Classification: Uncertain significance. Last evaluated: 2024-12-20. Review status: criteria provided, single submitter. Criteria: Ambry Variant Classification Scheme 2023. Collection method: clinical testing. Allele origin: germline.
Comment: The p.T940S variant (also known as c.2818A>T), located in coding exon 1 of the TET2 gene, results from an A to T substitution at nucleotide position 2818. The threonine at codon 940 is replaced by serine, an amino acid with similar properties. This amino acid position is conserved. In addition, this alteration is predicted to be tolerated by in silico analysis. Based on the available evidence, the clinical significance of this variant remains unclear.

NM_001127208.3(TET2):c.2818A>T (p.Thr940Ser)

Genes: TET2 (tet methylcytosine dioxygenase 2; plus strand), TET2-AS1 (TET2 antisense RNA 1; minus strand). Cytogenetic location: 4q24.
Variant type: single nucleotide variant.
Coding change: c.2818A>T on transcript NM_001127208.3 (MANE Select); coding-DNA position 2818, A replaced by T.
Protein change: p.Thr940Ser; replaces threonine 940 with serine.
Molecular consequence: missense variant.
Genome position (GRCh38, 1-based): chr4:105,236,760, A>T. VCF-style: chr4-105236760-A-T. GRCh37 (hg19) VCF-style: chr4-106157917-A-T.
Other names: c.2818A>T, p.Thr940Ser (NM_017628.4); short protein forms T940S.
Identifiers: ClinVar variation 3805886 (VCV003805886.1).